The following is an entry in ClinVar:

ClinVar aggregate classification (germline): Uncertain significance (1 of 4 stars; one submission).

Conditions:
GROWTH HORMONE DEFICIENCY WITH PITUITARY ANOMALIES. Identifiers: MedGen C2750027, OMIM 182230.
Septo-optic dysplasia sequence (SOD). Also called: Septo-optic dysplasia; DE MORSIER SYNDROME. Identifiers: Orphanet 3157, MedGen C0338503, MONDO:0008428, OMIM 182230, HP:0100842.

Submission:

Labcorp Genetics (formerly Invitae), Labcorp
Classification: Uncertain significance for GROWTH HORMONE DEFICIENCY WITH PITUITARY ANOMALIES; Septo-optic dysplasia sequence. Last evaluated: 2025-08-26. Review status: criteria provided, single submitter. Criteria: Invitae Variant Classification Sherloc (09022015). Collection method: clinical testing. Allele origin: germline.
Comment: This sequence change replaces glutamic acid, which is acidic and polar, with lysine, which is basic and polar, at codon 139 of the HESX1 protein (p.Glu139Lys). This variant is not present in population databases (gnomAD no frequency). This variant has not been reported in the literature in individuals affected with HESX1-related conditions. An algorithm developed to predict the effect of missense changes on protein structure and function (PolyPhen-2) suggests that this variant is likely to be disruptive. In summary, the available evidence is currently insufficient to determine the role of this variant in disease. Therefore, it has been classified as a Variant of Uncertain Significance.

NM_003865.3(HESX1):c.415G>A (p.Glu139Lys)

Gene: HESX1 (HESX homeobox 1; minus strand). Cytogenetic location: 3p14.3.
Variant type: single nucleotide variant.
Coding change: c.415G>A on transcript NM_003865.3 (MANE Select); coding-DNA position 415, G replaced by A.
Protein change: p.Glu139Lys; replaces glutamic acid 139 with lysine.
Molecular consequence: missense variant. On other transcripts: non-coding transcript variant (1).
Genome position (GRCh38, 1-based): chr3:57,198,435, C>T on the plus strand (G>A on the coding strand, the complement: HESX1 is on the minus strand). VCF-style: chr3-57198435-C-T. GRCh37 (hg19) VCF-style: chr3-57232463-C-T.
Other names: c.415G>A, p.Glu139Lys (NM_001376058.1, NM_001376059.1, NM_001376060.1 and 1 more transcripts); short protein forms E139K.
Identifiers: ClinVar variation 4785974 (VCV004785974.1).
Genomic context (GRCh38, chr3:57,198,435, plus strand): 5'-TAAATTTGAAAATTACCTGGATTCTGTCTTCCTCTAGATTCAATTTTTGAGCTAAGTCTT[C>T]TCTAATATCGATACCAGGATAGCAGTTTACTCTAAAGACATTTTCTAACACTTCAATCTA-3'
Protein context (NP_003856.1, residues 129-149): VNCYPGIDIR[Glu139Lys]DLAQKLNLEE